The following is an entry in ClinVar:

NM_153240.5(NPHP3):c.2113C>G (p.Arg705Gly)

Genes: NPHP3 (nephrocystin 3; minus strand), NPHP3-ACAD11 (NPHP3-ACAD11 readthrough (NMD candidate); minus strand). Cytogenetic location: 3q22.1.
Variant type: single nucleotide variant.
Coding change: c.2113C>G on transcript NM_153240.5 (MANE Select); coding-DNA position 2113, C replaced by G.
Protein change: p.Arg705Gly; replaces arginine 705 with glycine.
Molecular consequence: missense variant. On other transcripts: non-coding transcript variant (1).
Genome position (GRCh38, 1-based): chr3:132,696,789, G>C on the plus strand (C>G on the coding strand, the complement: NPHP3 is on the minus strand). VCF-style: chr3-132696789-G-C. GRCh37 (hg19) VCF-style: chr3-132415633-G-C.
Other names: short protein forms R705G.
Identifiers: ClinVar variation 952390 (VCV000952390.9), dbSNP rs776393897, ClinGen allele CA354582048.

ClinVar aggregate classification (germline): Uncertain significance (1 of 4 stars; one submission).

Conditions:
Nephronophthisis. Also called: Juvenile Nephronophthisis. Identifiers: Orphanet 655, MedGen C0687120, MONDO:0019005, HP:0000090.

gnomAD v4.1: 3 of 1,613,974 alleles (0.00019%); highest among the groups gnomAD compares: Non-Finnish European, 0.00017%; no homozygotes.

Submission:

Labcorp Genetics (formerly Invitae), Labcorp
Classification: Uncertain significance for Nephronophthisis. Last evaluated: 2020-08-26. Review status: criteria provided, single submitter. Criteria: Invitae Variant Classification Sherloc (09022015). Collection method: clinical testing. Allele origin: germline.
Comment: This sequence change replaces arginine with glycine at codon 705 of the NPHP3 protein (p.Arg705Gly). The arginine residue is highly conserved and there is a moderate physicochemical difference between arginine and glycine. This variant is not present in population databases (ExAC no frequency). In summary, the available evidence is currently insufficient to determine the role of this variant in disease. Therefore, it has been classified as a Variant of Uncertain Significance. Algorithms developed to predict the effect of missense changes on protein structure and function (SIFT, PolyPhen-2, Align-GVGD) all suggest that this variant is likely to be disruptive, but these predictions have not been confirmed by published functional studies and their clinical significance is uncertain. This variant has not been reported in the literature in individuals with NPHP3-related conditions.